The following is an entry in ClinVar:

NM_003873.7(NRP1):c.1089C>A (p.Ser363Arg)

Gene: NRP1 (neuropilin 1; minus strand). Cytogenetic location: 10p11.22.
Variant type: single nucleotide variant.
Coding change: c.1089C>A on transcript NM_003873.7 (MANE Select); coding-DNA position 1089, C replaced by A.
Protein change: p.Ser363Arg; replaces serine 363 with arginine.
Molecular consequence: missense variant. On other transcripts: non-coding transcript variant (1).
Genome position (GRCh38, 1-based): chr10:33,226,182, G>T on the plus strand (C>A on the coding strand, the complement: NRP1 is on the minus strand). VCF-style: chr10-33226182-G-T. GRCh37 (hg19) VCF-style: chr10-33515110-G-T.
Other names: c.1089C>A, p.Ser363Arg (NM_001024628.3, NM_001024629.3, NM_001244972.2 and 2 more transcripts); short protein forms S363R.
Identifiers: ClinVar variation 3344789 (VCV003344789.1).
Genomic context (GRCh38, chr10:33,226,182, plus strand): 5'-AGCCTAACTTACAACAGGTTTGTTTCCTTCTTTTATGGTGATCCAGTCTTCCCCGTTGGA[G>T]CTAACGTCGATCTTGTAAGTCTTGACATAATATTTCTTCTTGGTTTCTTTTGAAATGGCG-3'
Protein context (NP_003864.5, residues 353-373): YYVKTYKIDV[Ser363Arg]SNGEDWITIK

ClinVar aggregate classification (germline): Uncertain significance (0 of 4 stars; one submission).

Conditions:
NRP1-related disorder. Also called: NRP1-related condition.

Submission:

PreventionGenetics, part of Exact Sciences
Classification: Uncertain significance for NRP1-related condition. Last evaluated: 2024-08-31. Review status: no assertion criteria provided. Collection method: clinical testing. Allele origin: germline.
Comment: The NRP1 c.1089C>A variant is predicted to result in the amino acid substitution p.Ser363Arg. To our knowledge, this variant has not been reported in the literature or in a large population database, indicating this variant is rare. At this time, the clinical significance of this variant is uncertain due to the absence of conclusive functional and genetic evidence.